The following is an entry in ClinVar:

NM_020812.4(DOCK6):c.5932T>C (p.Cys1978Arg)

Gene: DOCK6 (dedicator of cytokinesis 6; minus strand). Cytogenetic location: 19p13.2.
Variant type: single nucleotide variant.
Coding change: c.5932T>C on transcript NM_020812.4 (MANE Select); coding-DNA position 5932, T replaced by C.
Protein change: p.Cys1978Arg; replaces cysteine 1978 with arginine.
Molecular consequence: missense variant.
Genome position (GRCh38, 1-based): chr19:11,200,723, A>G on the plus strand (T>C on the coding strand, the complement: DOCK6 is on the minus strand). VCF-style: chr19-11200723-A-G. GRCh37 (hg19) VCF-style: chr19-11311399-A-G.
Other names: c.6037T>C, p.Cys2013Arg (NM_001367830.1); short protein forms C1978R, C2013R.
Identifiers: ClinVar variation 1959569 (VCV001959569.5), dbSNP rs749201050, ClinGen allele CA9206296.

ClinVar aggregate classification (germline): Uncertain significance (1 of 4 stars; one submission).

Allele frequency attached by ClinVar (database versions not stated): gnomAD 0.00001; TOPMed 0.00001; ExAC 0.00002.
gnomAD v4.1: 4 of 1,612,732 alleles (0.00025%); highest among the groups gnomAD compares: East Asian, 0.0067%; no homozygotes.

Submission:

Labcorp Genetics (formerly Invitae), Labcorp
Classification: Uncertain significance. Last evaluated: 2024-06-03. Review status: criteria provided, single submitter. Criteria: Invitae Variant Classification Sherloc (09022015). Collection method: clinical testing. Allele origin: germline.
Comment: This sequence change replaces cysteine, which is neutral and slightly polar, with arginine, which is basic and polar, at codon 1978 of the DOCK6 protein (p.Cys1978Arg). This variant is present in population databases (rs749201050, gnomAD 0.02%). This variant has not been reported in the literature in individuals affected with DOCK6-related conditions. ClinVar contains an entry for this variant (Variation ID: 1959569). Advanced modeling of protein sequence and biophysical properties (such as structural, functional, and spatial information, amino acid conservation, physicochemical variation, residue mobility, and thermodynamic stability) performed at Invitae indicates that this missense variant is not expected to disrupt DOCK6 protein function with a negative predictive value of 80%. In summary, the available evidence is currently insufficient to determine the role of this variant in disease. Therefore, it has been classified as a Variant of Uncertain Significance.